The following is an entry in ClinVar:

ClinVar aggregate classification (germline): Benign (0 of 4 stars; one submission).

Conditions:
TP53BP2-related disorder. Also called: TP53BP2-related condition.

Allele frequency attached by ClinVar (database versions not stated): gnomAD exomes 0.07691; ExAC 0.11665; ESP Exome Variant Server 0.14261; gnomAD 0.15806; TOPMed 0.17864; 1000 Genomes Project 0.20048; 1000 Genomes Project 30x 0.20300.
gnomAD v4.1: 137,697 of 1,613,772 alleles (8.5%); highest among the groups gnomAD compares: African/African-American, 33%; 9,682 homozygotes.

Submission:

PreventionGenetics, part of Exact Sciences
Classification: Benign for TP53BP2-related condition. Last evaluated: 2019-10-18. Review status: no assertion criteria provided. Collection method: clinical testing. Allele origin: germline.
Comment: This variant is classified as benign based on ACMG/AMP sequence variant interpretation guidelines (Richards et al. 2015 PMID: 25741868, with internal and published modifications).

NM_001031685.3(TP53BP2):c.175+9C>T

Gene: TP53BP2 (tumor protein p53 binding protein 2; minus strand). Cytogenetic location: 1q41.
Variant type: single nucleotide variant.
Coding change: c.175+9C>T on transcript NM_001031685.3 (MANE Select); 9 bases into the intron after coding-DNA position 175, C replaced by T.
Molecular consequence: intron variant.
Genome position (GRCh38, 1-based): chr1:223,821,211, G>A on the plus strand (C>T on the coding strand, the complement: TP53BP2 is on the minus strand). VCF-style: chr1-223821211-G-A. GRCh37 (hg19) VCF-style: chr1-224008913-G-A.
Other names: c.-345+9C>T (NM_005426.3).
Identifiers: ClinVar variation 3060937 (VCV003060937.2), dbSNP rs3738370, ClinGen allele CA1413218.